The following is an entry in ClinVar:

NM_001005273.3(CHD3):c.2220G>T (p.Gln740His)

Gene: CHD3 (chromodomain helicase DNA binding protein 3; plus strand). Cytogenetic location: 17p13.1.
Variant type: single nucleotide variant.
Coding change: c.2220G>T on transcript NM_001005273.3 (MANE Select); coding-DNA position 2220, G replaced by T.
Protein change: p.Gln740His; replaces glutamine 740 with histidine.
Molecular consequence: missense variant.
Genome position (GRCh38, 1-based): chr17:7,899,079, G>T. VCF-style: chr17-7899079-G-T. GRCh37 (hg19) VCF-style: chr17-7802397-G-T.
Other names: c.2397G>T, p.Gln799His (NM_001005271.3, NM_001437504.1); c.2385G>T, p.Gln795His (NM_001437507.1, NM_001437508.1, NM_001437509.1); c.2220G>T, p.Gln740His (NM_005852.4); short protein forms Q740H, Q795H, Q799H.
Identifiers: ClinVar variation 4528057 (VCV004528057.1).

ClinVar aggregate classification (germline): Uncertain significance (1 of 4 stars; one submission).

Submission:

GeneDx
Classification: Uncertain significance. Last evaluated: 2025-05-06. Review status: criteria provided, single submitter. Criteria: GeneDx Variant Classification Process June 2021. Collection method: clinical testing. Allele origin: germline. Affected: yes.
Comment: Not observed at significant frequency in large population cohorts (gnomAD); In silico analysis supports that this missense variant has a deleterious effect on protein structure/function; Has not been previously published as pathogenic or benign to our knowledge